The following is an entry in ClinVar:

ClinVar aggregate classification (germline): Uncertain significance (1 of 4 stars; one submission).

Allele frequency attached by ClinVar (database versions not stated): gnomAD exomes 0.00001.
gnomAD v4.1: 10 of 1,613,858 alleles (0.00062%); highest among the groups gnomAD compares: African/African-American, 0.0013%; no homozygotes.

Submission:

Labcorp Genetics (formerly Invitae), Labcorp
Classification: Uncertain significance. Last evaluated: 2024-07-22. Review status: criteria provided, single submitter. Criteria: Invitae Variant Classification Sherloc (09022015). Collection method: clinical testing. Allele origin: germline.
Comment: This sequence change replaces proline, which is neutral and non-polar, with leucine, which is neutral and non-polar, at codon 868 of the ADGRA3 protein (p.Pro868Leu). This variant is not present in population databases (gnomAD no frequency). This variant has not been reported in the literature in individuals affected with ADGRA3-related conditions. ClinVar contains an entry for this variant (Variation ID: 856996). An algorithm developed to predict the effect of missense changes on protein structure and function (PolyPhen-2) suggests that this variant is likely to be disruptive. In summary, the available evidence is currently insufficient to determine the role of this variant in disease. Therefore, it has been classified as a Variant of Uncertain Significance.

NM_145290.4(ADGRA3):c.2603C>T (p.Pro868Leu)

Gene: ADGRA3 (adhesion G protein-coupled receptor A3; minus strand). Cytogenetic location: 4p15.2.
Variant type: single nucleotide variant.
Coding change: c.2603C>T on transcript NM_145290.4 (MANE Select); coding-DNA position 2603, C replaced by T.
Protein change: p.Pro868Leu; replaces proline 868 with leucine.
Molecular consequence: missense variant.
Genome position (GRCh38, 1-based): chr4:22,392,569, G>A on the plus strand (C>T on the coding strand, the complement: ADGRA3 is on the minus strand). VCF-style: chr4-22392569-G-A. GRCh37 (hg19) VCF-style: chr4-22394192-G-A.
Other names: short protein forms P868L.
Identifiers: ClinVar variation 856996 (VCV000856996.9), dbSNP rs1714177282, ClinGen allele CA356475914.